The following is an entry in ClinVar:

NM_006269.2(RP1):c.3811A>C (p.Lys1271Gln)

Gene: RP1 (RP1 axonemal microtubule associated; plus strand). Cytogenetic location: 8q12.1.
Variant type: single nucleotide variant.
Coding change: c.3811A>C on transcript NM_006269.2 (MANE Select); coding-DNA position 3811, A replaced by C.
Protein change: p.Lys1271Gln; replaces lysine 1271 with glutamine.
Molecular consequence: missense variant. On other transcripts: intron variant (1).
Genome position (GRCh38, 1-based): chr8:54,627,693, A>C. VCF-style: chr8-54627693-A-C. GRCh37 (hg19) VCF-style: chr8-55540253-A-C.
Other names: c.787+5405A>C (NM_001375654.1); short protein forms K1271Q.
Identifiers: ClinVar variation 1489535 (VCV001489535.8), dbSNP rs770305929, ClinGen allele CA370997324.
Genomic context (GRCh38, chr8:54,627,693, plus strand): 5'-GTTTTGGAAGTGACTTGCTCTCCATGTGAGATGTGCACTGTAAATAAGGCTTATTCTCCA[A>C]AAGAGACATGTAACCCCAGTGACACTTTTTTTCCTAGTGATGGTTATGGTGTGGATCAGA-3'
Protein context (NP_006260.1, residues 1261-1281): MCTVNKAYSP[Lys1271Gln]ETCNPSDTFF

ClinVar aggregate classification (germline): Uncertain significance (1 of 4 stars; one submission).

gnomAD v4.1: 1 of 1,614,052 alleles (0.000062%); highest among the groups gnomAD compares: African/African-American, 0.0013%; no homozygotes.

Submission:

Labcorp Genetics (formerly Invitae), Labcorp
Classification: Uncertain significance. Last evaluated: 2022-08-15. Review status: criteria provided, single submitter. Criteria: Invitae Variant Classification Sherloc (09022015). Collection method: clinical testing. Allele origin: germline.
Comment: This sequence change replaces lysine, which is basic and polar, with glutamine, which is neutral and polar, at codon 1271 of the RP1 protein (p.Lys1271Gln). This variant is not present in population databases (gnomAD no frequency). This variant has not been reported in the literature in individuals affected with RP1-related conditions. ClinVar contains an entry for this variant (Variation ID: 1489535). Algorithms developed to predict the effect of missense changes on protein structure and function (SIFT, PolyPhen-2, Align-GVGD) all suggest that this variant is likely to be tolerated. In summary, the available evidence is currently insufficient to determine the role of this variant in disease. Therefore, it has been classified as a Variant of Uncertain Significance.